The following is an entry in ClinVar:

ClinVar aggregate classification (germline): Pathogenic (1 of 4 stars; one submission).

Conditions:
Developmental and epileptic encephalopathy, 2 (DEE2). Also called: INFANTILE SPASM SYNDROME, X-LINKED 2; CDKL5 deficiency disorder. Identifiers: Orphanet 1934, Orphanet 3451, Orphanet 505652, MedGen C4750718, MONDO:0010396, OMIM 300672.
Angelman syndrome-like. Identifiers: MedGen CN128785.

Submission:

Labcorp Genetics (formerly Invitae), Labcorp
Classification: Pathogenic for Developmental and epileptic encephalopathy, 2; Angelman syndrome-like. Last evaluated: 2022-12-07. Review status: criteria provided, single submitter. Criteria: Invitae Variant Classification Sherloc (09022015). Collection method: clinical testing. Allele origin: germline.
Comment: This variant is not present in population databases (gnomAD no frequency). This sequence change creates a premature translational stop signal (p.Val18Leufs*2) in the CDKL5 gene. It is expected to result in an absent or disrupted protein product. Loss-of-function variants in CDKL5 are known to be pathogenic (PMID: 22872100). This variant has not been reported in the literature in individuals affected with CDKL5-related conditions. For these reasons, this variant has been classified as Pathogenic. Algorithms developed to predict the effect of sequence changes on RNA splicing suggest that this variant may create or strengthen a splice site.

Literature cited by the submitters: PubMed 22872100.

NM_001323289.2(CDKL5):c.46del (p.Val18fs)

Gene: CDKL5 (cyclin dependent kinase like 5; plus strand). Cytogenetic location: Xp22.13.
Variant type: Deletion.
Coding change: c.46del on transcript NM_001323289.2 (MANE Select); coding-DNA position 46, one base deleted (C; older notation c.46delC).
Protein change: p.Val18fs; shifts the reading frame from valine 18.
Molecular consequence: frameshift variant.
Genome position (GRCh38, 1-based): chrX:18,507,142, C deleted; the last of 2 consecutive C bases (chrX:18,507,141-18,507,142); deleting either gives the same sequence. VCF-style (leftmost placement, unchanged base first): chrX-18507140-TC-T. GRCh37 (hg19) VCF-style: chrX-18525260-TC-T.
Other names: c.46del, p.Val18fs (NM_001037343.2, NM_003159.3); short protein forms V18fs.
Identifiers: ClinVar variation 2942111 (VCV002942111.3), dbSNP rs2518776876, ClinGen allele CA2740092037.